The following is an entry in ClinVar:

ClinVar aggregate classification (germline): Uncertain significance. Review status: criteria provided, multiple submitters, no conflicts (2 of 4 stars). 2 submissions from 2 submitters: Uncertain significance (2). Last evaluated 2025-02-19.

Conditions:
Inborn genetic diseases. Identifiers: MedGen C0950123, MeSH D030342.

Allele frequency attached by ClinVar (database versions not stated): ExAC 0.00001; TOPMed 0.00003.
gnomAD v4.1: 6 of 1,612,964 alleles (0.00037%); highest among the groups gnomAD compares: Admixed American, 0.0067%; no homozygotes.

Submissions (2):

Ambry Genetics
Classification: Uncertain significance for Inborn genetic diseases. Last evaluated: 2025-02-19. Review status: criteria provided, single submitter. Criteria: Ambry Variant Classification Scheme 2023. Collection method: clinical testing. Allele origin: germline.

Labcorp Genetics (formerly Invitae), Labcorp
Classification: Uncertain significance. Last evaluated: 2024-05-15. Review status: criteria provided, single submitter. Criteria: Invitae Variant Classification Sherloc (09022015). Collection method: clinical testing. Allele origin: germline.
Comment: This sequence change replaces arginine, which is basic and polar, with histidine, which is basic and polar, at codon 372 of the ADAMTS13 protein (p.Arg372His). This variant is present in population databases (rs782091585, gnomAD 0.009%). This variant has not been reported in the literature in individuals affected with ADAMTS13-related conditions. ClinVar contains an entry for this variant (Variation ID: 1942178). Advanced modeling of protein sequence and biophysical properties (such as structural, functional, and spatial information, amino acid conservation, physicochemical variation, residue mobility, and thermodynamic stability) performed at Invitae indicates that this missense variant is not expected to disrupt ADAMTS13 protein function with a negative predictive value of 80%. In summary, the available evidence is currently insufficient to determine the role of this variant in disease. Therefore, it has been classified as a Variant of Uncertain Significance.

NM_139027.6(ADAMTS13):c.1115G>A (p.Arg372His)

Gene: ADAMTS13 (ADAM metallopeptidase with thrombospondin type 1 motif 13; plus strand). Cytogenetic location: 9q34.2.
Variant type: single nucleotide variant.
Coding change: c.1115G>A on transcript NM_139027.6 (MANE Select); coding-DNA position 1115, G replaced by A.
Protein change: p.Arg372His; replaces arginine 372 with histidine.
Molecular consequence: missense variant.
Genome position (GRCh38, 1-based): chr9:133,433,400, G>A. VCF-style: chr9-133433400-G-A. GRCh37 (hg19) VCF-style: chr9-136298520-G-A.
Other names: c.1115G>A, p.Arg372His (NM_139025.5); c.1022G>A, p.Arg341His (NM_139026.6); c.1115G>A (NM_139025.3); short protein forms R341H, R372H.
Identifiers: ClinVar variation 1942178 (VCV001942178.4), dbSNP rs782091585, ClinGen allele CA200926860.